The following is an entry in ClinVar:

NM_005084.4(PLA2G7):c.109+2T>C

Gene: PLA2G7 (phospholipase A2 group VII; minus strand). Cytogenetic location: 6p12.3.
Variant type: single nucleotide variant.
Coding change: c.109+2T>C on transcript NM_005084.4 (MANE Select); the canonical splice donor site of the intron after coding-DNA position 109, T replaced by C.
Molecular consequence: splice donor variant.
Genome position (GRCh38, 1-based): chr6:46,722,781, A>G on the plus strand (T>C on the coding strand, the complement: PLA2G7 is on the minus strand). VCF-style: chr6-46722781-A-G. GRCh37 (hg19) VCF-style: chr6-46690518-A-G.
Other names: c.109+2T>C (NM_001168357.2, NM_001168357.1).
Identifiers: ClinVar variation 3065950 (VCV003065950.2), dbSNP rs142974898, ClinGen allele CA3840527.

ClinVar aggregate classification (germline): Likely pathogenic. Review status: criteria provided, multiple submitters, no conflicts (2 of 4 stars). 2 submissions from 2 submitters: Likely pathogenic (2). Last evaluated 2024-12-06.

Conditions:
Platelet-activating factor acetylhydrolase deficiency (PAFAD). Identifiers: MedGen C3280315, MONDO:0013663, OMIM 614278, HP:0040175.

Allele frequency attached by ClinVar (database versions not stated): gnomAD exomes 0.00005; ExAC 0.00008; gnomAD 0.00014; 1000 Genomes Project 0.00060; 1000 Genomes Project 30x 0.00062.
gnomAD v4.1: 92 of 1,561,306 alleles (0.0059%); highest among the groups gnomAD compares: Admixed American, 0.038%; no homozygotes.

Submissions (2):

Women's Health and Genetics/Laboratory Corporation of America, LabCorp
Classification: Likely pathogenic for Platelet-activating factor acetylhydrolase deficiency. Last evaluated: 2024-12-06. Review status: criteria provided, single submitter. Criteria: LabCorp Variant Classification Summary - May 2015. Collection method: clinical testing. Allele origin: germline.
Comment: Variant summary: PLA2G7 c.109+2T>C is located in a canonical splice-site and is predicted to affect mRNA splicing resulting in a significantly altered protein due to either exon skipping, shortening, or inclusion of intronic material. Variants that disrupt the consensus splice site are a relatively common cause of aberrant splicing and loss of PLA2G7 function. Several computational tools predict a significant impact on normal splicing: One predict the variant no significant impact on splicing. Three predict the variant abolishes a 5' splicing donor site. However, these predictions have yet to be confirmed by functional studies. The variant allele was found at a frequency of 0.00012 in 250946 control chromosomes. This frequency is not significantly higher than estimated for a pathogenic variant in PLA2G7 causing Platelet-Activating Factor Acetylhydrolase Deficiency, allowing no conclusion about variant significance. To our knowledge, no occurrence of c.109+2T>C in individuals affected with Platelet-Activating Factor Acetylhydrolase Deficiency and no experimental evidence demonstrating its impact on protein function have been reported. ClinVar contains an entry for this variant (Variation ID: 3065950). Based on the evidence outlined above, the variant was classified as likely pathogenic.

Genomic Medicine Center of Excellence, King Faisal Specialist Hospital and Research Centre
Classification: Likely pathogenic for Platelet-activating factor acetylhydrolase deficiency. Last evaluated: 2024-03-29. Review status: criteria provided, single submitter. Criteria: ACMG Guidelines, 2015. Collection method: clinical testing. Allele origin: germline.